The following is an entry in ClinVar:

NM_002585.4(PBX1):c.1206T>C (p.Asn402=)

Gene: PBX1 (PBX homeobox 1; plus strand). Cytogenetic location: 1q23.3.
Variant type: single nucleotide variant.
Coding change: c.1206T>C on transcript NM_002585.4 (MANE Select); coding-DNA position 1206, T replaced by C.
Protein change: p.Asn402=; no amino-acid change (asparagine 402 retained).
Molecular consequence: synonymous variant. On other transcripts: 3 prime UTR variant (1), intron variant (2).
Genome position (GRCh38, 1-based): chr1:164,846,589, T>C. VCF-style: chr1-164846589-T-C. GRCh37 (hg19) VCF-style: chr1-164815826-T-C.
Other names: c.*49T>C (NM_001204961.2); c.957T>C, p.Asn319= (NM_001353130.1); c.*43+24963T>C (NM_001353131.2); c.1201-2751T>C (NM_001204963.2); c.1206T>C (NM_002585.3).
Identifiers: ClinVar variation 3011172 (VCV003011172.5), dbSNP rs568447228, ClinGen allele CA1219546.
Genomic context (GRCh38, chr1:164,846,589, plus strand): 5'-TGAAAACAGCCACCCAATCTCAGAGGACTGACTTCTCTCCCTTTTTCCCTTCTAGGCTAA[T>C]GGAGGTTGGCAGGATGCTACTACCCCTTCATCAGTGACCTCCCCTACAGAAGGCCCTGGC-3'
Protein context (NP_002576.1, residues 392-412): QMYSPQGISA[Asn402=]GGWQDATTPS

ClinVar aggregate classification (germline): Benign. Review status: criteria provided, single submitter (1 of 4 stars). 2 submissions from 2 submitters: Benign (1). 1 of the submissions does not count toward it. Last evaluated 2025-05-18.

Conditions:
PBX1-related disorder. Also called: PBX1-related condition.

Allele frequency attached by ClinVar (database versions not stated): 1000 Genomes Project 30x 0.00016; 1000 Genomes Project 0.00020; gnomAD exomes 0.00002; gnomAD 0.00006; TOPMed 0.00004; ExAC 0.00005.

Submissions (2):

Labcorp Genetics (formerly Invitae), Labcorp
Classification: Benign. Last evaluated: 2025-05-18. Review status: criteria provided, single submitter. Criteria: Invitae Variant Classification Sherloc (09022015). Collection method: clinical testing. Allele origin: germline.

PreventionGenetics, part of Exact Sciences
Classification: Likely benign for PBX1-related condition. Last evaluated: 2022-06-27. Review status: no assertion criteria provided. Collection method: clinical testing. Allele origin: germline. Not counted in ClinVar's aggregate classification.
Comment: This variant is classified as likely benign based on ACMG/AMP sequence variant interpretation guidelines (Richards et al. 2015 PMID: 25741868, with internal and published modifications).